The following is an entry in ClinVar:

NM_001543.5(NDST1):c.347C>T (p.Ala116Val)

Gene: NDST1 (N-deacetylase and N-sulfotransferase 1; plus strand). Cytogenetic location: 5q33.1.
Variant type: single nucleotide variant.
Coding change: c.347C>T on transcript NM_001543.5 (MANE Select); coding-DNA position 347, C replaced by T.
Protein change: p.Ala116Val; replaces alanine 116 with valine.
Molecular consequence: missense variant.
Genome position (GRCh38, 1-based): chr5:150,521,601, C>T. VCF-style: chr5-150521601-C-T. GRCh37 (hg19) VCF-style: chr5-149901163-C-T.
Other names: c.347C>T, p.Ala116Val (NM_001301063.2); short protein forms A116V.
Identifiers: ClinVar variation 2662702 (VCV002662702.1), dbSNP rs142187384, ClinGen allele CA3512384.
Genomic context (GRCh38, chr5:150,521,601, plus strand): 5'-TGGGCCAGGAGGTGGTGGCCATCCTGGAGTCCAGCCGCTTCAAATACCGCACAGAGATTG[C>T]GCCGGGCAAGGGTGACATGCCCACGCTCACTGACAAGGGCCGTGGCCGCTTCGCCCTCAT-3'
Protein context (NP_001534.1, residues 106-126): SSRFKYRTEI[Ala116Val]PGKGDMPTLT

ClinVar aggregate classification (germline): Uncertain significance (1 of 4 stars; one submission).

Allele frequency attached by ClinVar (database versions not stated): TOPMed below 0.00001; gnomAD 0.00002; gnomAD exomes 0.00002; ExAC 0.00003; ESP Exome Variant Server 0.00008.
gnomAD v4.1: 29 of 1,613,940 alleles (0.0018%); highest among the groups gnomAD compares: South Asian, 0.0033%; no homozygotes.

Submission:

GeneDx
Classification: Uncertain significance. Last evaluated: 2023-04-17. Review status: criteria provided, single submitter. Criteria: GeneDx Variant Classification Process June 2021. Collection method: clinical testing. Allele origin: germline. Affected: yes.
Comment: In silico analysis supports that this missense variant has a deleterious effect on protein structure/function; Has not been previously published as pathogenic or benign to our knowledge